The following is an entry in ClinVar:

ClinVar aggregate classification (germline): Uncertain significance (1 of 4 stars; one submission).

Submission:

Labcorp Genetics (formerly Invitae), Labcorp
Classification: Uncertain significance. Last evaluated: 2022-11-15. Review status: criteria provided, single submitter. Criteria: Invitae Variant Classification Sherloc (09022015). Collection method: clinical testing. Allele origin: germline.
Comment: This sequence change replaces threonine, which is neutral and polar, with serine, which is neutral and polar, at codon 501 of the GATAD2B protein (p.Thr501Ser). In summary, the available evidence is currently insufficient to determine the role of this variant in disease. Therefore, it has been classified as a Variant of Uncertain Significance. Advanced modeling of protein sequence and biophysical properties (such as structural, functional, and spatial information, amino acid conservation, physicochemical variation, residue mobility, and thermodynamic stability) performed at Invitae indicates that this missense variant is not expected to disrupt GATAD2B protein function. This variant has not been reported in the literature in individuals affected with GATAD2B-related conditions. This variant is not present in population databases (gnomAD no frequency).

NM_020699.4(GATAD2B):c.1502C>G (p.Thr501Ser)

Gene: GATAD2B (GATA zinc finger domain containing 2B; minus strand). Cytogenetic location: 1q21.3.
Variant type: single nucleotide variant.
Coding change: c.1502C>G on transcript NM_020699.4 (MANE Select); coding-DNA position 1502, C replaced by G.
Protein change: p.Thr501Ser; replaces threonine 501 with serine.
Molecular consequence: missense variant.
Genome position (GRCh38, 1-based): chr1:153,812,050, G>C on the plus strand (C>G on the coding strand, the complement: GATAD2B is on the minus strand). VCF-style: chr1-153812050-G-C. GRCh37 (hg19) VCF-style: chr1-153784526-G-C.
Other names: short protein forms T501S.
Identifiers: ClinVar variation 1720315 (VCV001720315.5), dbSNP rs2525233995, ClinGen allele CA342581145.